The following is an entry in ClinVar:

ClinVar aggregate classification (germline): Uncertain significance (1 of 4 stars; one submission).

Submission:

GeneDx
Classification: Uncertain significance. Last evaluated: 2026-02-12. Review status: criteria provided, single submitter. Criteria: GeneDx Variant Classification Process June 2021. Collection method: clinical testing. Allele origin: germline.
Comment: Not observed at significant frequency in large population cohorts (gnomAD); Nonsense variant predicted to result in protein truncation or nonsense mediated decay in a gene or region of a gene for which loss of function is not a well-established mechanism of disease; Has not been previously published as pathogenic or benign to our knowledge

NM_006445.4(PRPF8):c.2160G>A (p.Trp720Ter)

Gene: PRPF8 (pre-mRNA processing factor 8; minus strand). Cytogenetic location: 17p13.3.
Variant type: single nucleotide variant.
Coding change: c.2160G>A on transcript NM_006445.4 (MANE Select); coding-DNA position 2160, G replaced by A.
Protein change: p.Trp720Ter; replaces tryptophan 720 with a stop codon.
Molecular consequence: nonsense.
Genome position (GRCh38, 1-based): chr17:1,676,997, C>T on the plus strand (G>A on the coding strand, the complement: PRPF8 is on the minus strand). VCF-style: chr17-1676997-C-T. GRCh37 (hg19) VCF-style: chr17-1580291-C-T.
Other names: short protein forms W720*.
Identifiers: ClinVar variation 5009616 (VCV005009616.1).